The following is an entry in ClinVar:

ClinVar aggregate classification (germline): Conflicting classifications of pathogenicity. Review status: criteria provided, conflicting classifications (1 of 4 stars). 5 submissions from 5 submitters: Likely pathogenic (1); Uncertain significance (4). Last evaluated 2025-04-02.

Conditions:
Tuberous sclerosis 2 (TSC2). Identifiers: Orphanet 805, MedGen C1860707, MONDO:0013199, OMIM 613254.
Hereditary cancer-predisposing syndrome. Also called: Neoplastic Syndromes, Hereditary; Hereditary neoplastic syndrome; Tumor predisposition; Hereditary Cancer Syndrome. Identifiers: Orphanet 140162, MedGen C0027672, MeSH D009386, MONDO:0015356.

Allele frequency attached by ClinVar (database versions not stated): gnomAD exomes below 0.00001.
gnomAD v4.1: 1 of 1,614,116 alleles (0.000062%); highest among the groups gnomAD compares: Non-Finnish European, 0.000085%; no homozygotes.

Submissions (5):

Ambry Genetics
Classification: Uncertain significance for Hereditary cancer-predisposing syndrome. Last evaluated: 2025-04-02. Review status: criteria provided, single submitter. Criteria: Ambry Variant Classification Scheme 2023. Collection method: clinical testing. Allele origin: germline.
Comment: The p.F163S variant (also known as c.488T>C), located in coding exon 5 of the TSC2 gene, results from a T to C substitution at nucleotide position 488. The phenylalanine at codon 163 is replaced by serine, an amino acid with highly dissimilar properties. This amino acid position is highly conserved in available vertebrate species. In addition, this alteration is predicted to be deleterious by in silico analysis. Based on the available evidence, the clinical significance of this variant remains unclear.

Institute of Human Genetics, University of Leipzig Medical Center
Classification: Uncertain significance for Tuberous sclerosis 2. Last evaluated: 2024-02-08. Review status: criteria provided, single submitter. Criteria: ACMG Guidelines, 2015. Collection method: clinical testing. Allele origin: unknown. Inheritance: Autosomal dominant inheritance. Affected: yes.
Comment: Criteria applied: PS4_SUP,PM2_SUP,PP3

GeneDx
Classification: Likely pathogenic. Last evaluated: 2023-07-18. Review status: criteria provided, single submitter. Criteria: GeneDx Variant Classification Process June 2021. Collection method: clinical testing. Allele origin: germline. Affected: yes.
Comment: Reported as heterozygous in astrocytic tumor cells from individual with TSC in published literature (Yang et al., 2016); Functional studies demonstrate a damaging effect on activity of the TSC complex (Ekong, 2016); Not observed at significant frequency in large population cohorts (gnomAD); In silico analysis supports that this missense variant has a deleterious effect on protein structure/function; This variant is associated with the following publications: (PMID: 27516388, 18466115, 26703369)

Genome-Nilou Lab
Classification: Uncertain significance for Tuberous sclerosis 2. Last evaluated: 2021-11-07. Review status: criteria provided, single submitter. Criteria: ACMG Guidelines, 2015. Collection method: clinical testing. Allele origin: germline. Affected: no.

Labcorp Genetics (formerly Invitae), Labcorp
Classification: Uncertain significance for Tuberous sclerosis 2. Last evaluated: 2021-07-22. Review status: criteria provided, single submitter. Criteria: Invitae Variant Classification Sherloc (09022015). Collection method: clinical testing. Allele origin: germline.
Comment: Algorithms developed to predict the effect of missense changes on protein structure and function are either unavailable or do not agree on the potential impact of this missense change (SIFT: "Deleterious"; PolyPhen-2: "Probably Damaging"; Align-GVGD: "Class C0"). This variant has been reported in individuals in the Leiden Open-source Variation Database (PMID: 21520333). This variant is not present in population databases (ExAC no frequency). This sequence change replaces phenylalanine with serine at codon 163 of the TSC2 protein (p.Phe163Ser). The phenylalanine residue is highly conserved and there is a large physicochemical difference between phenylalanine and serine. In summary, the available evidence is currently insufficient to determine the role of this variant in disease. Therefore, it has been classified as a Variant of Uncertain Significance.

Literature cited by the submitters: PubMed 21520333 (cited by Labcorp Genetics (formerly Invitae), Labcorp).

NM_000548.5(TSC2):c.488T>C (p.Phe163Ser)

Gene: TSC2 (TSC complex subunit 2; plus strand). Cytogenetic location: 16p13.3.
Variant type: single nucleotide variant.
Coding change: c.488T>C on transcript NM_000548.5 (MANE Select); coding-DNA position 488, T replaced by C.
Protein change: p.Phe163Ser; replaces phenylalanine 163 with serine.
Molecular consequence: missense variant. On other transcripts: intron variant (1).
Genome position (GRCh38, 1-based): chr16:2,055,408, T>C. VCF-style: chr16-2055408-T-C. GRCh37 (hg19) VCF-style: chr16-2105409-T-C.
Other names: c.488T>C, p.Phe163Ser (NM_001077183.3, NM_001114382.3, NM_001363528.2 and 3 more transcripts); c.377T>C, p.Phe126Ser (NM_001318827.2); c.341T>C, p.Phe114Ser (NM_001318829.2); c.521T>C, p.Phe174Ser (NM_001318832.2); c.-1-788T>C (NM_001318831.2); short protein forms F114S, F174S, F126S, F163S.
Identifiers: ClinVar variation 663005 (VCV000663005.17), dbSNP rs1596270677, ClinGen allele CA394309071.
Genomic context (GRCh38, chr16:2,055,408, plus strand): 5'-GAGTGGGAGATGTAGATTCGGCGTCCTCGCAAACTGCCGCCGCTTCTCCCCCAGCTGACT[T>C]TGTCCTGCAGTGGATGGATGTTGGCTTGTCCTCGGAATTCCTTCTGGTGCTGGTGAACTT-3'
Protein context (NP_000539.2, residues 153-173): ITYLEEELAD[Phe163Ser]VLQWMDVGLS